The following is an entry in ClinVar:

ClinVar aggregate classification (germline): Uncertain significance. Review status: criteria provided, multiple submitters, no conflicts (2 of 4 stars). 2 submissions from 2 submitters: Uncertain significance (2). Last evaluated 2022-03-18.

Conditions:
Nemaline myopathy 8 (NEM8). Also called: Nemaline myopathy 8, autosomal recessive. Identifiers: Orphanet 171430, MedGen C3809209, MONDO:0014138, OMIM 615348.

gnomAD v4.1: 6 of 1,613,850 alleles (0.00037%); highest among the groups gnomAD compares: Admixed American, 0.01%; no homozygotes.

Submissions (2):

Labcorp Genetics (formerly Invitae), Labcorp
Classification: Uncertain significance for Nemaline myopathy 8. Last evaluated: 2022-03-18. Review status: criteria provided, single submitter. Criteria: Invitae Variant Classification Sherloc (09022015). Collection method: clinical testing. Allele origin: germline.
Comment: This sequence change falls in intron 1 of the KLHL40 gene. It does not directly change the encoded amino acid sequence of the KLHL40 protein. It affects a nucleotide within the consensus splice site. This variant is present in population databases (no rsID available, gnomAD 0.01%). This variant has not been reported in the literature in individuals affected with KLHL40-related conditions. ClinVar contains an entry for this variant (Variation ID: 578779). Variants that disrupt the consensus splice site are a relatively common cause of aberrant splicing (PMID: 17576681, 9536098). Algorithms developed to predict the effect of sequence changes on RNA splicing suggest that this variant may disrupt the consensus splice site. In summary, the available evidence is currently insufficient to determine the role of this variant in disease. Therefore, it has been classified as a Variant of Uncertain Significance.

Baylor Genetics
Classification: Uncertain significance for Nemaline myopathy 8. Last evaluated: 2018-08-22. Review status: criteria provided, single submitter. Criteria: ACMG Guidelines, 2015. Collection method: clinical testing. Allele origin: maternal. Affected: yes.
Comment: This variant was determined to be of uncertain significance according to ACMG Guidelines, 2015 [PMID:25741868].

Literature cited by the submitters: PubMed 17576681 (cited by Labcorp Genetics (formerly Invitae), Labcorp); PubMed 9536098 (cited by Labcorp Genetics (formerly Invitae), Labcorp).

NM_152393.4(KLHL40):c.1153-3C>A

Gene: KLHL40 (kelch like family member 40; plus strand). Cytogenetic location: 3p22.1.
Variant type: single nucleotide variant.
Coding change: c.1153-3C>A on transcript NM_152393.4 (MANE Select); 3 bases into the intron before coding-DNA position 1153, C replaced by A.
Molecular consequence: intron variant.
Genome position (GRCh38, 1-based): chr3:42,688,139, C>A. VCF-style: chr3-42688139-C-A. GRCh37 (hg19) VCF-style: chr3-42729631-C-A.
Identifiers: ClinVar variation 578779 (VCV000578779.5), dbSNP rs767265252, ClinGen allele CA74192834.